The following is an entry in ClinVar:

ClinVar aggregate classification (germline): Likely benign. Review status: reviewed by expert panel (3 of 4 stars). 4 submissions from 4 submitters: Likely benign (1). 3 of the submissions do not count toward it. Last evaluated 2017-06-29.

Conditions:
Hereditary breast ovarian cancer syndrome. Also called: Hereditary breast and ovarian cancer syndrome (HBOC); BRCA1- and BRCA2-Associated Hereditary Breast and Ovarian Cancer; Hereditary breast and/or ovarian cancer syndrome; Hereditary breast and ovarian cancer syndrome; Hereditary breast and ovarian cancer; Breast and ovarian cancer. Identifiers: Orphanet 145, MedGen C0677776, MeSH D061325, MONDO:0003582. Disease mechanism: loss of function.
Hereditary cancer-predisposing syndrome. Also called: Neoplastic Syndromes, Hereditary; Hereditary neoplastic syndrome; Tumor predisposition; Hereditary Cancer Syndrome. Identifiers: Orphanet 140162, MedGen C0027672, MeSH D009386, MONDO:0015356.
Breast-ovarian cancer, familial, susceptibility to, 1 (BROVCA1). Also called: BRCA1 Hereditary Breast and Ovarian Cancer; OVARIAN CANCER, SUSCEPTIBILITY TO. Identifiers: Orphanet 145, MedGen C2676676, MONDO:0011450, OMIM 604370. Disease mechanism: loss of function.
Malignant tumor of breast. Also called: Malignant breast neoplasm; Cancer breast. Identifiers: MedGen C0006142, MONDO:0007254. Disease mechanism: loss of function.

Allele frequency attached by ClinVar (database versions not stated): gnomAD exomes below 0.00001 and 0.00001; TOPMed below 0.00001; ExAC 0.00001; gnomAD 0.00001.
gnomAD v4.1: 11 of 1,611,640 alleles (0.00068%); highest among the groups gnomAD compares: Non-Finnish European, 0.00093%; no homozygotes.

Submissions (4):

Evidence-based Network for the Interpretation of Germline Mutant Alleles (ENIGMA)
Classification: Likely benign for Breast-ovarian cancer, familial, susceptibility to, 1. Last evaluated: 2017-06-29. Review status: reviewed by expert panel. Criteria: ENIGMA BRCA1/2 Classification Criteria (2017-06-29). Collection method: curation. Allele origin: germline.
Comment: Synonymous substitution variant, with low bioinformatic likelihood to result in a splicing aberration (Splicing prior probability 0.02).

Labcorp Genetics (formerly Invitae), Labcorp
Classification: Likely benign for Hereditary breast ovarian cancer syndrome. Last evaluated: 2025-12-03. Review status: criteria provided, single submitter. Criteria: Invitae Variant Classification Sherloc (09022015). Collection method: clinical testing. Allele origin: germline. Not counted in ClinVar's aggregate classification.

Ambry Genetics
Classification: Likely benign for Hereditary cancer-predisposing syndrome. Last evaluated: 2023-02-23. Review status: criteria provided, single submitter. Criteria: Ambry Variant Classification Scheme 2023. Collection method: clinical testing. Allele origin: germline. Not counted in ClinVar's aggregate classification.

Department of Pathology and Laboratory Medicine, Sinai Health System
Classification: Uncertain significance for Malignant tumor of breast. Review status: no assertion criteria provided. Collection method: clinical testing. Allele origin: unknown. Affected: yes. Observed: 1 variant allele. Study: The Canadian Open Genetics Repository (COGR). Not counted in ClinVar's aggregate classification.

NM_007294.4(BRCA1):c.810T>C (p.His270=)

Gene: BRCA1 (BRCA1 DNA repair associated; minus strand). Cytogenetic location: 17q21.31.
Variant type: single nucleotide variant.
Coding change: c.810T>C on transcript NM_007294.4 (MANE Select); coding-DNA position 810, T replaced by C.
Protein change: p.His270=; no amino-acid change (histidine 270 retained).
Molecular consequence: synonymous variant. On other transcripts: 5 prime UTR variant (2), intron variant (137).
Genome position (GRCh38, 1-based): chr17:43,094,721, A>G on the plus strand (T>C on the coding strand, the complement: BRCA1 is on the minus strand). VCF-style: chr17-43094721-A-G. GRCh37 (hg19) VCF-style: chr17-41246738-A-G.
Other names: c.684T>C, p.His228= (NM_001407940.1, NM_001407941.1, NM_001407649.1 and 11 more transcripts); c.669T>C, p.His223= (NM_001407942.1, NM_001407944.1, NM_001407945.1 and 29 more transcripts); c.666T>C, p.His222= (NM_001407943.1, NM_001407964.1, NM_001407740.1 and 20 more transcripts); c.477T>C, p.His159= (NM_001407946.1, NM_001407947.1, NM_001407948.1 and 6 more transcripts); c.474T>C, p.His158= (NM_001407954.1, NM_001407955.1, NM_001407956.1 and 1 more transcripts); c.429T>C, p.His143= (NM_001407959.1, NM_001407960.1, NM_001407963.1); c.426T>C, p.His142= (NM_001407962.1); c.306T>C, p.His102= (NM_001407965.1); and 40 more.
Identifiers: ClinVar variation 427327 (VCV000427327.12), dbSNP rs778359104, ClinGen allele CA056754.